The following is an entry in ClinVar:

NM_001008537.3(NEXMIF):c.1256A>G (p.Glu419Gly)

Gene: NEXMIF (neurite extension and migration factor; minus strand). Cytogenetic location: Xq13.3.
Variant type: single nucleotide variant.
Coding change: c.1256A>G on transcript NM_001008537.3 (MANE Select); coding-DNA position 1256, A replaced by G.
Protein change: p.Glu419Gly; replaces glutamic acid 419 with glycine.
Molecular consequence: missense variant.
Genome position (GRCh38, 1-based): chrX:74,743,301, T>C on the plus strand (A>G on the coding strand, the complement: NEXMIF is on the minus strand). VCF-style: chrX-74743301-T-C. GRCh37 (hg19) VCF-style: chrX-73963136-T-C.
Other names: short protein forms E419G.
Identifiers: ClinVar variation 474056 (VCV000474056.10), dbSNP rs1018310077, ClinGen allele CA331301792.

ClinVar aggregate classification (germline): Uncertain significance (1 of 4 stars; one submission).

Allele frequency attached by ClinVar (database versions not stated): gnomAD exomes 0.00001 and below 0.00001; gnomAD 0.00001; TOPMed 0.00002.
gnomAD v4.1: 6 of 1,209,676 alleles (0.0005%); highest among the groups gnomAD compares: Admixed American, 0.0022%; no homozygotes.

Submission:

Labcorp Genetics (formerly Invitae), Labcorp
Classification: Uncertain significance. Last evaluated: 2024-11-05. Review status: criteria provided, single submitter. Criteria: Invitae Variant Classification Sherloc (09022015). Collection method: clinical testing. Allele origin: germline.
Comment: This sequence change replaces glutamic acid, which is acidic and polar, with glycine, which is neutral and non-polar, at codon 419 of the NEXMIF protein (p.Glu419Gly). This variant is present in population databases (no rsID available, gnomAD 0.004%). This variant has not been reported in the literature in individuals affected with NEXMIF-related conditions. ClinVar contains an entry for this variant (Variation ID: 474056). An algorithm developed to predict the effect of missense changes on protein structure and function outputs the following: PolyPhen-2: "Benign". The glycine amino acid residue is found in multiple mammalian species, which suggests that this missense change does not adversely affect protein function. In summary, the available evidence is currently insufficient to determine the role of this variant in disease. Therefore, it has been classified as a Variant of Uncertain Significance.